The following is an entry in ClinVar:

NM_002317.7(LOX):c.104C>A (p.Pro35Gln)

Genes: LOX (lysyl oxidase; minus strand), SRFBP1 (serum response factor binding protein 1; plus strand). Cytogenetic location: 5q23.1.
Variant type: single nucleotide variant.
Coding change: c.104C>A on transcript NM_002317.7 (MANE Select); coding-DNA position 104, C replaced by A.
Protein change: p.Pro35Gln; replaces proline 35 with glutamine.
Molecular consequence: missense variant.
Genome position (GRCh38, 1-based): chr5:122,077,882, G>T on the plus strand (C>A on the coding strand, the complement: LOX is on the minus strand). VCF-style: chr5-122077882-G-T. GRCh37 (hg19) VCF-style: chr5-121413577-G-T.
Other names: short protein forms P35Q.
Identifiers: ClinVar variation 1301478 (VCV001301478.10), dbSNP rs757946184, ClinGen allele CA3384120.

ClinVar aggregate classification (germline): Conflicting classifications of pathogenicity. Review status: criteria provided, conflicting classifications (1 of 4 stars). 3 submissions from 3 submitters: Uncertain significance (1); Likely benign (2). Last evaluated 2025-10-01.

Conditions:
Cardiovascular phenotype. Identifiers: MedGen CN230736.

Allele frequency attached by ClinVar (database versions not stated): gnomAD 0.00007 and 0.00008.
gnomAD v4.1: 21 of 1,535,982 alleles (0.0014%); highest among the groups gnomAD compares: African/African-American, 0.02%; no homozygotes.

Submissions (3):

Labcorp Genetics (formerly Invitae), Labcorp
Classification: Likely benign. Last evaluated: 2025-10-01. Review status: criteria provided, single submitter. Criteria: Invitae Variant Classification Sherloc (09022015). Collection method: clinical testing. Allele origin: germline.

Ambry Genetics
Classification: Likely benign for Cardiovascular phenotype. Last evaluated: 2025-06-20. Review status: criteria provided, single submitter. Criteria: Ambry Variant Classification Scheme 2023. Collection method: clinical testing. Allele origin: germline.

GeneDx
Classification: Uncertain significance. Last evaluated: 2021-12-07. Review status: criteria provided, single submitter. Criteria: GeneDx Variant Classification Process June 2021. Collection method: clinical testing. Allele origin: germline. Affected: yes.
Comment: Has not been previously published as pathogenic or benign to our knowledge; In silico analysis supports that this missense variant does not alter protein structure/function